The following is an entry in ClinVar:

NM_201384.3(PLEC):c.1042G>A (p.Gly348Arg)

Gene: PLEC (plectin; minus strand). Cytogenetic location: 8q24.3.
Variant type: single nucleotide variant.
Coding change: c.1042G>A on transcript NM_201384.3 (MANE Select); coding-DNA position 1042, G replaced by A.
Protein change: p.Gly348Arg; replaces glycine 348 with arginine.
Molecular consequence: missense variant.
Genome position (GRCh38, 1-based): chr8:143,934,445, C>T on the plus strand (G>A on the coding strand, the complement: PLEC is on the minus strand). VCF-style: chr8-143934445-C-T. GRCh37 (hg19) VCF-style: chr8-145008613-C-T.
Other names: c.1123G>A, p.Gly375Arg (NM_000445.5, NM_001410941.1); c.1000G>A, p.Gly334Arg (NM_201378.4); c.976G>A, p.Gly326Arg (NM_201379.3); c.1453G>A, p.Gly485Arg (NM_201380.4); c.946G>A, p.Gly316Arg (NM_201381.3); c.1042G>A, p.Gly348Arg (NM_201382.4); c.1054G>A, p.Gly352Arg (NM_201383.3); short protein forms G326R, G348R, G316R, G352R, G334R, G375R, G485R.
Identifiers: ClinVar variation 2936860 (VCV002936860.3), dbSNP rs782286919, ClinGen allele CA4928182.

ClinVar aggregate classification (germline): Uncertain significance (1 of 4 stars; one submission).

Conditions:
Epidermolysis bullosa simplex with nail dystrophy (EBS5D). Identifiers: MedGen C4225309, MONDO:0014661, OMIM 616487.
Epidermolysis bullosa simplex 5C, with pyloric atresia (EBS5C). Also called: PLEC-Related Epidermolysis Bullosa with Pyloric Atresia; Epidermolysis bullosa simplex with pyloric atresia; PLEC1-Related Epidermolysis Bullosa with Pyloric Atresia. Identifiers: Orphanet 158684, MedGen C2677349, MONDO:0012807, OMIM 612138.
Autosomal recessive limb-girdle muscular dystrophy type 2Q (LGMDR17). Also called: MUSCULAR DYSTROPHY, LIMB-GIRDLE, AUTOSOMAL RECESSIVE 17. Identifiers: Orphanet 254361, MedGen C3150989, MONDO:0013390, OMIM 613723.
Epidermolysis bullosa simplex, Ogna type (EBS5A). Also called: Pidermolysis bullosa simplex 5A, Ogna type; EPIDERMOLYSIS BULLOSA SIMPLEX 5A, OGNA TYPE. Identifiers: Orphanet 79401, MedGen C0432317, MONDO:0007555, OMIM 131950.
Epidermolysis bullosa simplex 5B, with muscular dystrophy (EBS5B). Also called: EPIDERMOLYSIS BULLOSA SIMPLEX AND LIMB-GIRDLE MUSCULAR DYSTROPHY; Epidermolysis bullosa simplex with muscular dystrophy. Identifiers: Orphanet 257, MedGen C2931072, MONDO:0009181, OMIM 226670.

Allele frequency attached by ClinVar (database versions not stated): TOPMed 0.00001; ExAC 0.00007.
gnomAD v4.1: 14 of 1,611,184 alleles (0.00087%); highest among the groups gnomAD compares: East Asian, 0.0022%; no homozygotes.

Submission:

Labcorp Genetics (formerly Invitae), Labcorp
Classification: Uncertain significance for Autosomal recessive limb-girdle muscular dystrophy type 2Q; Epidermolysis bullosa simplex, Ogna type; Epidermolysis bullosa simplex with nail dystrophy; Epidermolysis bullosa simplex 5C, with pyloric atresia; Epidermolysis bullosa simplex 5B, with muscular dystrophy. Last evaluated: 2023-05-01. Review status: criteria provided, single submitter. Criteria: Invitae Variant Classification Sherloc (09022015). Collection method: clinical testing. Allele origin: germline.
Comment: In summary, the available evidence is currently insufficient to determine the role of this variant in disease. Therefore, it has been classified as a Variant of Uncertain Significance. Algorithms developed to predict the effect of sequence changes on RNA splicing suggest that this variant may create or strengthen a splice site. Experimental studies and prediction algorithms are not available or were not evaluated, and the functional significance of this variant is currently unknown. This variant has not been reported in the literature in individuals affected with PLEC-related conditions. This variant is present in population databases (rs782286919, gnomAD 0.009%). This sequence change replaces glycine, which is neutral and non-polar, with arginine, which is basic and polar, at codon 375 of the PLEC protein (p.Gly375Arg).